The following is an entry in ClinVar:

ClinVar aggregate classification (germline): Pathogenic/Likely pathogenic. Review status: criteria provided, multiple submitters, no conflicts (2 of 4 stars). 16 submissions from 15 submitters: Pathogenic (11); Likely pathogenic (3). 2 of the submissions do not count toward it. Last evaluated 2026-07-20.

Conditions:
ABCA4-related disorder. Also called: ABCA4-related condition; ABCA4-related disorders. Identifiers: MedGen CN239167.
Cone-rod dystrophy 3 (CORD3). Identifiers: Orphanet 1872, MedGen C1858806, MONDO:0011395, OMIM 604116.
Age related macular degeneration 2. Also called: MACULAR DEGENERATION, SENILE; MACULOPATHY, AGE-RELATED, 2; MACULOPATHY, AGE-RELATED. Identifiers: MedGen C3495438, MONDO:0007932, OMIM 153800.
Retinitis pigmentosa 19 (RP19). Also called: ABCA4-Related Retinitis Pigmentosa. Identifiers: Orphanet 791, MedGen C1866422, MONDO:0011137, OMIM 601718.
Severe early-childhood-onset retinal dystrophy (STGD1). Also called: MACULAR DYSTROPHY WITH FLECKS, TYPE 1; STGD; Stargardt disease 1; Stargardt macular dystrophy; Juvenile onset macular degeneration. Identifiers: Orphanet 364055, Orphanet 827, MedGen C1855465, MeSH D000080362, MONDO:0009549, OMIM 248200.
Retinal dystrophy. Also called: Inherited retinal dystrophy. Identifiers: Orphanet 71862, MedGen C0854723, MeSH D058499, MONDO:0019118, HP:0000556.
Stargardt disease (FFM). Also called: Fundus flavimaculatus; Stargardt's disease. Identifiers: Orphanet 827, MedGen C0271093, MONDO:0019353.

Allele frequency attached by ClinVar (database versions not stated): gnomAD exomes 0.00003 and 0.00002; ExAC 0.00002; ESP Exome Variant Server 0.00008; gnomAD 0.00003; TOPMed 0.00005.
gnomAD v4.1: 46 of 1,614,056 alleles (0.0028%); highest among the groups gnomAD compares: Middle Eastern, 0.033%; no homozygotes.

Submissions (16):

PreventionGenetics, part of Exact Sciences
Classification: Pathogenic for ABCA4-related condition. Last evaluated: 2026-07-20. Review status: criteria provided, single submitter. Criteria: ACMG Guidelines, 2015. Collection method: clinical testing. Allele origin: germline.
Comment: The ABCA4 c.4328G>A variant is predicted to result in the amino acid substitution p.Arg1443His. This variant has been reported in the compound heterozygous state in several individuals with autosomal recessive ABCA4-related disorders (for examples see: Rivera et al. 2000. PubMed ID: 10958763; Supplemental table S2, Fujinami et al. 2018. PubMed ID: 29925512; Salles et al. 2018. PubMed ID: 30093795). This variant is reported in 0.0039% of alleles in individuals of European (Non-Finnish) descent in gnomAD. This variant is interpreted as likely pathogenic.

Dasa
Classification: Pathogenic. Last evaluated: 2026-04-24. Review status: criteria provided, single submitter. Criteria: DASA Assertion Criteria. Collection method: clinical testing. Allele origin: germline.
Comment: NM_000350.3(ABCA4):c.4328G>A (p.Arg1443His) is a missense variant that results in the substitution of arginine with histidine. Functional evidence supports a deleterious effect on the gene or gene product (PMID: 22661472; PMID: 23419329; PMID: 23982839; PMID: 29925512; PMID: 20404325). This variant has been recurrently observed in individuals with related phenotype (PMID: 22661472; PMID: 23419329; PMID: 23982839; PMID: 29925512; PMID: 20404325). Segregation evidence has been reported in affected families. Multiple computational predictions support a deleterious effect on the gene or gene product. The variant is present at low frequency in population datasets. Based on the available data, this variant is classified as pathogenic.

Labcorp Genetics (formerly Invitae), Labcorp
Classification: Pathogenic. Last evaluated: 2026-01-12. Review status: criteria provided, single submitter. Criteria: Invitae Variant Classification Sherloc (09022015). Collection method: clinical testing. Allele origin: germline.
Comment: This sequence change replaces arginine, which is basic and polar, with histidine, which is basic and polar, at codon 1443 of the ABCA4 protein (p.Arg1443His). This variant is present in population databases (rs61750142, gnomAD 0.004%). This missense change has been observed in individual(s) with autosomal recessive Stargardt disease (PMID: 15161829, 22661472, 23419329, 23982839, 28118664, 29925512). In at least one individual the data is consistent with being in trans (on the opposite chromosome) from a pathogenic variant. ClinVar contains an entry for this variant (Variation ID: 99278). Invitae Evidence Modeling of protein sequence and biophysical properties (such as structural, functional, and spatial information, amino acid conservation, physicochemical variation, residue mobility, and thermodynamic stability) indicates that this missense variant is expected to disrupt ABCA4 protein function with a positive predictive value of 95%. Experimental studies have shown that this missense change affects ABCA4 function (PMID: 20404325). For these reasons, this variant has been classified as Pathogenic.

3billion
Classification: Pathogenic for Severe early-childhood-onset retinal dystrophy. Last evaluated: 2025-12-15. Review status: criteria provided, single submitter. Criteria: ACMG Guidelines, 2015. Collection method: clinical testing. Allele origin: germline. Affected: yes.
Comment: The variant is observed at an extremely low frequency in the gnomAD v4.1.0 dataset (total allele frequency: 0.003%). Predicted Consequence/Location: The variant is located in a mutational hot spot and/or well-established functional domain in which established pathogenic variants have been reported. In silico tool predictions suggest damaging effect of the variant on gene or gene product [REVEL: 0.81 (>=0.6, sensitivity 0.68 and specificity 0.92); 3Cnet: 0.99 (> 0.75, sensitivity 0.96 and precision 0.92)]. The same nucleotide change resulting in the same amino acid change has been previously reported as pathogenic/likely pathogenic with strong evidence (ClinVar ID: VCV000099278 /PMID: 10958763 /3billion dataset). A different missense change at the same codon (p.Arg1443Cys) has been reported as pathogenic/likely pathogenic with strong evidence (ClinVar ID: VCV001476832). Therefore, this variant is classified as Pathogenic according to the recommendation of ACMG/AMP guideline.

Dubai Health Genomic Medicine Center, Dubai Health
Classification: Pathogenic for Retinal dystrophy. Last evaluated: 2024-10-04. Review status: criteria provided, single submitter. Criteria: ACMG Guidelines, 2015. Collection method: research. Allele origin: germline. Affected: yes.
Comment: PS3,PM5,PM2,PP3,PM3(strong)

Fulgent Genetics
Classification: Pathogenic for Age related macular degeneration 2; Severe early-childhood-onset retinal dystrophy; Retinitis pigmentosa 19; Cone-rod dystrophy 3. Last evaluated: 2024-04-03. Review status: criteria provided, single submitter. Criteria: ACMG Guidelines, 2015. Collection method: clinical testing. Allele origin: germline.

Blueprint Genetics
Classification: Pathogenic for ABCA4-related disorders. Last evaluated: 2023-12-15. Review status: criteria provided, single submitter. Criteria: ACMG Guidelines, 2015. Collection method: clinical testing. Allele origin: germline. Affected: yes. Observed: 5 variant alleles.

Dept Of Ophthalmology, Nagoya University
Classification: Pathogenic for Retinal dystrophy. Last evaluated: 2023-10-01. Review status: criteria provided, single submitter. Criteria: Submitter's publication. Collection method: research. Allele origin: germline. Affected: yes.

Ophthalmic Genetics Group, Institute of Molecular and Clinical Ophthalmology Basel
Classification: Pathogenic for Stargardt disease. Last evaluated: 2023-07-24. Review status: criteria provided, single submitter. Criteria: ACMG Guidelines, 2015. Collection method: research. Allele origin: germline. Affected: yes. Observed: 1 variant allele.
Comment: Clinical significance based on ACMG v2.0

This variant was classified as Pathogenic based on ACMG criteria: PM1, PP2, PM2, PM5, PP3, PP5.

Mendelics
Classification: Pathogenic for Age related macular degeneration 2. Last evaluated: 2022-05-04. Review status: criteria provided, single submitter. Criteria: Mendelics Assertion Criteria 2019. Collection method: clinical testing. Allele origin: germline.

Institute of Medical Molecular Genetics, University of Zurich
Classification: Likely pathogenic for Severe early-childhood-onset retinal dystrophy. Last evaluated: 2021-01-30. Review status: criteria provided, single submitter. Criteria: ACMG Guidelines, 2015. Collection method: clinical testing. Allele origin: unknown. Affected: yes.

Institute of Human Genetics, Univ. Regensburg, Univ. Regensburg
Classification: Likely pathogenic for Retinal dystrophy. Last evaluated: 2021-01-01. Review status: criteria provided, single submitter. Criteria: ACMG Guidelines, 2015. Collection method: clinical testing. Allele origin: germline. Affected: yes.

Illumina Laboratory Services, Illumina
Classification: Pathogenic for ABCA4-Related Disorders. Last evaluated: 2019-01-12. Review status: criteria provided, single submitter. Criteria: ICSL Variant Classification Criteria 09 May 2019. Collection method: clinical testing. Allele origin: germline.
Comment: Across a selection of the literature, the ABCA4 c.4328G>A (p.Arg1443His) missense variant has been reported in a compound heterozygous state in at least five individuals, including four affected with Stargardt disease, one described as affected with ABCA4-associated disease and one with ABCA4-associated retinopathies (Rivera et al. 2000; Testa et al. 2012; ChacÃ³n-Camacho et al. 2013; Fujinami et al. 2013; NÃµupuu et al. 2014; Schulz et al. 2017). In addition Roberts et al. (2011) identified the p.Arg1443His variant in one patient allele from a cohort of 181 individuals with ABCA4-associated retinopathies. The variant was absent from 220 control individuals and is reported at a frequency of 0.000045 in the European (non-Finnish) population of the Exome Aggregation Consortium. The Arg1443 residue is noted to be well conserved. Biswas-Fiss et al. (2010) compared the ABCA4 wild type structure with that of three variant structures, including the p.Arg1443His variant using CD spectral analysis. The p.Arg1443His variant structure was shown to be significantly altered with loss of alpha-helical secondary structure. The same study also demonstrated decreased binding affinity to its substrate. Based on the collective evidence, the p.Arg1443His variant is classified as pathogenic for ABCA4-related disorders. This variant was observed by ICSL as part of a predisposition screen in an ostensibly healthy population.

Institute of Human Genetics, Univ. Regensburg, Univ. Regensburg
Classification: Likely pathogenic for Severe early-childhood-onset retinal dystrophy. Last evaluated: 2016-01-01. Review status: criteria provided, single submitter. Criteria: Schulz et al. (Invest Ophthalmol Vis Sci. 2017). Collection method: clinical testing. Allele origin: germline. Affected: yes. Observed: 1 heterozygote.

Ophthalmo-Genetics Lab, Instituto de Oftalmologia Conde de Valenciana
Classification: Pathogenic for Severe early-childhood-onset retinal dystrophy. Review status: no assertion criteria provided. Collection method: research. Allele origin: germline. Inheritance: Autosomal recessive inheritance. Affected: yes. Not counted in ClinVar's aggregate classification.

Retina International
No classification provided. Review status: no classification provided. Collection method: not provided. Allele origin: not provided. Not counted in ClinVar's aggregate classification.

Literature cited by the submitters: PubMed 22661472 (cited by 3 submitters); PubMed 23419329 (cited by 3 submitters); PubMed 23982839 (cited by 3 submitters); PubMed 29925512 (cited by 3 submitters); PubMed 20404325 (cited by 3 submitters); PubMed 29114839 (cited by Dasa); PubMed 30093795 (cited by 3 submitters); PubMed 15161829 (cited by Labcorp Genetics (formerly Invitae), Labcorp); PubMed 28118664 (cited by Labcorp Genetics (formerly Invitae), Labcorp and Illumina Laboratory Services, Illumina); PubMed 10958763 (cited by 3 submitters); PubMed 36909829 (cited by Ophthalmic Genetics Group, Institute of Molecular and Clinical Ophthalmology Basel); PubMed 29186038 (cited by Institute of Human Genetics, Univ. Regensburg, Univ. Regensburg); PubMed 31589614 (cited by Institute of Human Genetics, Univ. Regensburg, Univ. Regensburg); PubMed 31964843 (cited by Institute of Human Genetics, Univ. Regensburg, Univ. Regensburg); PubMed 36460718 (cited by Institute of Human Genetics, Univ. Regensburg, Univ. Regensburg); PubMed 25301883 (cited by Illumina Laboratory Services, Illumina); PubMed 24273789 (cited by Illumina Laboratory Services, Illumina).

NM_000350.3(ABCA4):c.4328G>A (p.Arg1443His)

Gene: ABCA4 (ATP binding cassette subfamily A member 4; minus strand). Cytogenetic location: 1p22.1.
Variant type: single nucleotide variant.
Coding change: c.4328G>A on transcript NM_000350.3 (MANE Select); coding-DNA position 4328, G replaced by A.
Protein change: p.Arg1443His; replaces arginine 1443 with histidine.
Molecular consequence: missense variant.
Genome position (GRCh38, 1-based): chr1:94,030,452, C>T on the plus strand (G>A on the coding strand, the complement: ABCA4 is on the minus strand). VCF-style: chr1-94030452-C-T. GRCh37 (hg19) VCF-style: chr1-94496008-C-T.
Other names: NP_000341.2:p.(Arg1443His); c.4106G>A, p.Arg1369His (NM_001425324.1); short protein forms R1443H, R1369H.
Identifiers: ClinVar variation 99278 (VCV000099278.30), dbSNP rs61750142, ClinGen allele CA227185.